The following is an entry in ClinVar:

ClinVar aggregate classification (germline): Benign/Likely benign. Review status: criteria provided, multiple submitters, no conflicts (2 of 4 stars). 5 submissions from 5 submitters: Benign (3); Likely benign (2). Last evaluated 2026-01-24.

Conditions:
Diaphanospondylodysostosis. Also called: VERTEBRAL OSSIFICATION, DEFECT IN, WITH NEPHROGENIC RESTS. Identifiers: Orphanet 66637, MedGen C1842691, MONDO:0011946, OMIM 608022.

Allele frequency attached by ClinVar (database versions not stated): 1000 Genomes Project 0.00359; 1000 Genomes Project 30x 0.00375; gnomAD 0.00405; TOPMed 0.00420; ESP Exome Variant Server 0.00454.
gnomAD v4.1: 1,196 of 1,614,040 alleles (0.074%); highest among the groups gnomAD compares: African/African-American, 1.4%; 4 homozygotes.

Submissions (5):

Labcorp Genetics (formerly Invitae), Labcorp
Classification: Benign. Last evaluated: 2026-01-24. Review status: criteria provided, single submitter. Criteria: Invitae Variant Classification Sherloc (09022015). Collection method: clinical testing. Allele origin: germline.

CeGaT Center for Human Genetics Tuebingen
Classification: Likely benign. Last evaluated: 2025-07-01. Review status: criteria provided, single submitter. Criteria: CeGaT Center For Human Genetics Tuebingen Variant Classification Criteria Version 2. Collection method: clinical testing. Allele origin: germline. Affected: yes. Observed: 1 variant allele.
Comment: BMPER: BS1

Blueprint Genetics
Classification: Likely benign. Last evaluated: 2024-09-13. Review status: criteria provided, single submitter. Criteria: ACMG Guidelines, 2015. Collection method: clinical testing. Allele origin: germline.

GeneDx
Classification: Benign. Last evaluated: 2019-08-01. Review status: criteria provided, single submitter. Criteria: GeneDx Variant Classification Process June 2021. Collection method: clinical testing. Allele origin: germline. Affected: yes.

Illumina Laboratory Services, Illumina
Classification: Benign for Diaphanospondylodysostosis. Last evaluated: 2018-01-12. Review status: criteria provided, single submitter. Criteria: ICSL Variant Classification Criteria 13 December 2019. Collection method: clinical testing. Allele origin: germline.
Comment: This variant was observed in the ICSL laboratory as part of a predisposition screen in an ostensibly healthy population. It had not been previously curated by ICSL or reported in the Human Gene Mutation Database (HGMD: prior to June 1st, 2018), and was therefore a candidate for classification through an automated scoring system. Utilizing variant allele frequency, disease prevalence and penetrance estimates, and inheritance mode, an automated score was calculated to assess if this variant is too frequent to cause the disease. Based on the score and internal cut-off values, a variant classified as benign is not then subjected to further curation. The score for this variant resulted in a classification of benign for this disease.

NM_001365308.1(BMPER):c.1087G>A (p.Val363Ile)

Gene: BMPER (BMP binding endothelial regulator; plus strand). Cytogenetic location: 7p14.3.
Variant type: single nucleotide variant.
Coding change: c.1087G>A on transcript NM_001365308.1 (MANE Select); coding-DNA position 1087, G replaced by A.
Protein change: p.Val363Ile; replaces valine 363 with isoleucine.
Molecular consequence: missense variant.
Genome position (GRCh38, 1-based): chr7:34,078,865, G>A. VCF-style: chr7-34078865-G-A. GRCh37 (hg19) VCF-style: chr7-34118477-G-A.
Other names: c.1087G>A, p.Val363Ile (NM_133468.5); short protein forms V363I.
Identifiers: ClinVar variation 389174 (VCV000389174.23), dbSNP rs117322489, ClinGen allele CA4215301.